The following is an entry in ClinVar:

NM_000528.4(MAN2B1):c.1419+5G>A

Genes: MAN2B1 (mannosidase alpha class 2B member 1; minus strand), LOC129391064 (MPRA-validated peak3365 silencer; plus strand). Cytogenetic location: 19p13.13.
Variant type: single nucleotide variant.
Coding change: c.1419+5G>A on transcript NM_000528.4 (MANE Select); 5 bases into the intron after coding-DNA position 1419, G replaced by A.
Molecular consequence: intron variant.
Genome position (GRCh38, 1-based): chr19:12,657,441, C>T on the plus strand (G>A on the coding strand, the complement: MAN2B1 is on the minus strand). VCF-style: chr19-12657441-C-T. GRCh37 (hg19) VCF-style: chr19-12768255-C-T.
Other names: c.1416+5G>A (NM_001173498.2).
Identifiers: ClinVar variation 2230804 (VCV002230804.3), dbSNP rs540367946, ClinGen allele CA9226471.

ClinVar aggregate classification (germline): Conflicting classifications of pathogenicity. Review status: criteria provided, conflicting classifications (1 of 4 stars). 2 submissions from 2 submitters: Uncertain significance (1); Likely benign (1). Last evaluated 2025-02-27.

Conditions:
MAN2B1-related disorder. Also called: MAN2B1-related condition.
Inborn genetic diseases. Identifiers: MedGen C0950123, MeSH D030342.

Allele frequency attached by ClinVar (database versions not stated): 1000 Genomes Project 0.00020; 1000 Genomes Project 30x 0.00031.
gnomAD v4.1: 195 of 1,548,692 alleles (0.013%); highest among the groups gnomAD compares: Non-Finnish European, 0.016%; no homozygotes.

Submissions (2):

PreventionGenetics, part of Exact Sciences
Classification: Likely benign for MAN2B1-related condition. Last evaluated: 2025-02-27. Review status: criteria provided, single submitter. Criteria: ACMG Guidelines, 2015. Collection method: clinical testing. Allele origin: germline.
Comment: This variant is classified as likely benign based on ACMG/AMP sequence variant interpretation guidelines (Richards et al. 2015 PMID: 25741868, with internal and published modifications).

Ambry Genetics
Classification: Uncertain significance for Inborn genetic diseases. Last evaluated: 2021-06-02. Review status: criteria provided, single submitter. Criteria: Ambry Variant Classification Scheme 2023. Collection method: clinical testing. Allele origin: germline.
Comment: The c.1419+5G>A intronic alteration consists of a G to A substitution 5 nucleotides after exon 11 (coding exon 11) of the MAN2B1 gene. Based on insufficient or conflicting evidence, the clinical significance of this alteration remains unclear.